The following is an entry in ClinVar:

ClinVar aggregate classification (germline): Uncertain significance (1 of 4 stars; one submission).

Conditions:
Spastic paraplegia. Identifiers: MedGen C0037772, HP:0001258.

Submission:

Labcorp Genetics (formerly Invitae), Labcorp
Classification: Uncertain significance for Spastic paraplegia. Last evaluated: 2022-08-15. Review status: criteria provided, single submitter. Criteria: Invitae Variant Classification Sherloc (09022015). Collection method: clinical testing. Allele origin: germline.
Comment: This variant has not been reported in the literature in individuals affected with KIF5A-related conditions. ClinVar contains an entry for this variant (Variation ID: 1489243). Advanced modeling of protein sequence and biophysical properties (such as structural, functional, and spatial information, amino acid conservation, physicochemical variation, residue mobility, and thermodynamic stability) performed at Invitae indicates that this missense variant is not expected to disrupt KIF5A protein function. In summary, the available evidence is currently insufficient to determine the role of this variant in disease. Therefore, it has been classified as a Variant of Uncertain Significance. This sequence change replaces asparagine, which is neutral and polar, with lysine, which is basic and polar, at codon 552 of the KIF5A protein (p.Asn552Lys). This variant is not present in population databases (gnomAD no frequency).

NM_004984.4(KIF5A):c.1656C>G (p.Asn552Lys)

Gene: KIF5A (kinesin family member 5A; plus strand). Cytogenetic location: 12q13.3.
Variant type: single nucleotide variant.
Coding change: c.1656C>G on transcript NM_004984.4 (MANE Select); coding-DNA position 1656, C replaced by G.
Protein change: p.Asn552Lys; replaces asparagine 552 with lysine.
Molecular consequence: missense variant.
Genome position (GRCh38, 1-based): chr12:57,572,666, C>G. VCF-style: chr12-57572666-C-G. GRCh37 (hg19) VCF-style: chr12-57966449-C-G.
Other names: c.1389C>G, p.Asn463Lys (NM_001354705.2); short protein forms N463K, N552K.
Identifiers: ClinVar variation 1489243 (VCV001489243.6), dbSNP rs776685173, ClinGen allele CA385507914.